The following is an entry in ClinVar:

ClinVar aggregate classification (germline): Uncertain significance. Review status: criteria provided, multiple submitters, no conflicts (2 of 4 stars). 2 submissions from 2 submitters: Uncertain significance (2). Last evaluated 2025-10-08.

Conditions:
Inborn genetic diseases. Identifiers: MedGen C0950123, MeSH D030342.

Allele frequency attached by ClinVar (database versions not stated): TOPMed 0.00001; ExAC 0.00002; gnomAD 0.00002; gnomAD exomes 0.00002.
gnomAD v4.1: 24 of 1,614,052 alleles (0.0015%); highest among the groups gnomAD compares: Middle Eastern, 0.033%; no homozygotes.

Submissions (2):

Labcorp Genetics (formerly Invitae), Labcorp
Classification: Uncertain significance. Last evaluated: 2025-10-08. Review status: criteria provided, single submitter. Criteria: Invitae Variant Classification Sherloc (09022015). Collection method: clinical testing. Allele origin: germline.
Comment: This sequence change replaces leucine, which is neutral and non-polar, with histidine, which is basic and polar, at codon 785 of the DSG1 protein (p.Leu785His). This variant is present in population databases (rs772895171, gnomAD 0.01%). This variant has not been reported in the literature in individuals affected with DSG1-related conditions. ClinVar contains an entry for this variant (Variation ID: 1369203). Invitae Evidence Modeling of protein sequence and biophysical properties (such as structural, functional, and spatial information, amino acid conservation, physicochemical variation, residue mobility, and thermodynamic stability) indicates that this missense variant is not expected to disrupt DSG1 protein function with a negative predictive value of 80%. In summary, the available evidence is currently insufficient to determine the role of this variant in disease. Therefore, it has been classified as a Variant of Uncertain Significance.

Ambry Genetics
Classification: Uncertain significance for Inborn genetic diseases. Last evaluated: 2024-07-05. Review status: criteria provided, single submitter. Criteria: Ambry Variant Classification Scheme 2023. Collection method: clinical testing. Allele origin: germline.

NM_001942.4(DSG1):c.2354T>A (p.Leu785His)

Genes: DSG1 (desmoglein 1; plus strand), DSG1-AS1 (DSG1 antisense RNA 1; minus strand), LOC126862720 (MED14-independent group 3 enhancer GRCh37_chr18:28933613-28934812; plus strand). Cytogenetic location: 18q12.1.
Variant type: single nucleotide variant.
Coding change: c.2354T>A on transcript NM_001942.4 (MANE Select); coding-DNA position 2354, T replaced by A.
Protein change: p.Leu785His; replaces leucine 785 with histidine.
Molecular consequence: missense variant.
Genome position (GRCh38, 1-based): chr18:31,354,550, T>A. VCF-style: chr18-31354550-T-A. GRCh37 (hg19) VCF-style: chr18-28934513-T-A.
Other names: c.2354T>A (NM_001942.2); short protein forms L785H.
Identifiers: ClinVar variation 1369203 (VCV001369203.11), dbSNP rs772895171, ClinGen allele CA8926344.